The following is an entry in ClinVar:

ClinVar aggregate classification (germline): Likely benign. Review status: criteria provided, multiple submitters, no conflicts (2 of 4 stars). 2 submissions from 2 submitters: Likely benign (2). Last evaluated 2024-11-05.

Conditions:
Multiple endocrine neoplasia, type 1 (MEN1). Also called: MEN I; WERMER SYNDROME; Endocrine adenomatosis multiple; MEN 1; MEA I. Identifiers: Orphanet 652, MedGen C0025267, MeSH D018761, MONDO:0007540, OMIM 131100.

Allele frequency attached by ClinVar (database versions not stated): ExAC 0.00001.
gnomAD v4.1: 3 of 1,596,366 alleles (0.00019%); highest among the groups gnomAD compares: East Asian, 0.0067%; no homozygotes.

Submissions (2):

Myriad Genetics, Inc.
Classification: Likely benign for Multiple endocrine neoplasia, type 1. Last evaluated: 2024-11-05. Review status: criteria provided, single submitter. Criteria: Myriad Autosomal Dominant, Autosomal Recessive and X-Linked Classification Criteria (2023). Collection method: clinical testing. Allele origin: unknown.
Comment: This variant is considered likely benign. This variant is intronic and is not expected to impact mRNA splicing.

Labcorp Genetics (formerly Invitae), Labcorp
Classification: Likely benign for Multiple endocrine neoplasia, type 1. Last evaluated: 2023-11-07. Review status: criteria provided, single submitter. Criteria: Invitae Variant Classification Sherloc (09022015). Collection method: clinical testing. Allele origin: germline.

NM_001370259.2(MEN1):c.1351-8T>C

Gene: MEN1 (menin 1; minus strand). Cytogenetic location: 11q13.1.
Variant type: single nucleotide variant.
Coding change: c.1351-8T>C on transcript NM_001370259.2 (MANE Select); 8 bases into the intron before coding-DNA position 1351, T replaced by C.
Molecular consequence: intron variant.
Genome position (GRCh38, 1-based): chr11:64,804,824, A>G on the plus strand (T>C on the coding strand, the complement: MEN1 is on the minus strand). VCF-style: chr11-64804824-A-G. GRCh37 (hg19) VCF-style: chr11-64572296-A-G.
Other names: c.1366-8T>C (NM_130804.3, NM_130803.3, NM_000244.4 and 3 more transcripts); c.1351-8T>C (NM_130799.3, NM_001370260.2, NM_001370261.2); c.1477-8T>C (NM_001370251.2); c.1246-8T>C (NM_001370263.2, NM_001370262.2).
Identifiers: ClinVar variation 1081205 (VCV001081205.10), dbSNP rs751932519, ClinGen allele CA060510.